The following is an entry in ClinVar:

NM_017780.4(CHD7):c.2083A>T (p.Ser695Cys)

Genes: CHD7 (chromodomain helicase DNA binding protein 7; plus strand), LOC126860403 (CDK7 strongly-dependent group 2 enhancer GRCh37_chr8:61693034-61694233; plus strand). Cytogenetic location: 8q12.2.
Variant type: single nucleotide variant.
Coding change: c.2083A>T on transcript NM_017780.4 (MANE Select); coding-DNA position 2083, A replaced by T.
Protein change: p.Ser695Cys; replaces serine 695 with cysteine.
Molecular consequence: missense variant. On other transcripts: intron variant (1).
Genome position (GRCh38, 1-based): chr8:60,781,417, A>T. VCF-style: chr8-60781417-A-T. GRCh37 (hg19) VCF-style: chr8-61693976-A-T.
Other names: c.1716+367A>T (NM_001316690.1); short protein forms S695C.
Identifiers: ClinVar variation 2571931 (VCV002571931.1), dbSNP rs1173537400, ClinGen allele CA371313626.

ClinVar aggregate classification (germline): Uncertain significance (1 of 4 stars; one submission).

Submission:

GeneDx
Classification: Uncertain significance. Last evaluated: 2023-01-09. Review status: criteria provided, single submitter. Criteria: GeneDx Variant Classification Process June 2021. Collection method: clinical testing. Allele origin: germline. Affected: yes.
Comment: Not observed at significant frequency in large population cohorts (gnomAD); In silico analysis supports that this missense variant does not alter protein structure/function; Has not been previously published as pathogenic or benign to our knowledge